The following is an entry in ClinVar:

ClinVar aggregate classification (germline): Likely benign (1 of 4 stars; one submission).

Submission:

CeGaT Center for Human Genetics Tuebingen
Classification: Likely benign. Last evaluated: 2024-06-01. Review status: criteria provided, single submitter. Criteria: CeGaT Center For Human Genetics Tuebingen Variant Classification Criteria Version 2. Collection method: clinical testing. Allele origin: germline. Affected: yes. Observed: 1 variant allele.
Comment: KIF1C: PM2:Supporting, BP4, BP7

NM_006612.6(KIF1C):c.2292C>T (p.Phe764=)

Gene: KIF1C (kinesin family member 1C; plus strand). Cytogenetic location: 17p13.2.
Variant type: single nucleotide variant.
Coding change: c.2292C>T on transcript NM_006612.6 (MANE Select); coding-DNA position 2292, C replaced by T.
Protein change: p.Phe764=; no amino-acid change (phenylalanine 764 retained).
Molecular consequence: synonymous variant.
Genome position (GRCh38, 1-based): chr17:5,022,373, C>T. VCF-style: chr17-5022373-C-T. GRCh37 (hg19) VCF-style: chr17-4925668-C-T.
Identifiers: ClinVar variation 3251166 (VCV003251166.18), dbSNP rs1246720031.